The following is an entry in ClinVar:

ClinVar aggregate classification (germline): Conflicting classifications of pathogenicity. Review status: criteria provided, conflicting classifications (1 of 4 stars). 2 submissions from 2 submitters: Uncertain significance (1); Likely benign (1). Last evaluated 2025-09-25.

Conditions:
Bloom syndrome (BLM). Also called: Bloom-Torre-Machacek syndrome. Identifiers: Orphanet 125, MedGen C0005859, MONDO:0008876, OMIM 210900.
Hereditary cancer-predisposing syndrome. Also called: Neoplastic Syndromes, Hereditary; Tumor predisposition; Hereditary neoplastic syndrome; Hereditary Cancer Syndrome. Identifiers: Orphanet 140162, MedGen C0027672, MeSH D009386, MONDO:0015356.

Allele frequency attached by ClinVar (database versions not stated): gnomAD exomes below 0.00001.
gnomAD v4.1: 1 of 1,606,616 alleles (0.000062%); highest among the groups gnomAD compares: Non-Finnish European, 0.000085%; no homozygotes.

Submissions (2):

Labcorp Genetics (formerly Invitae), Labcorp
Classification: Uncertain significance for Bloom syndrome. Last evaluated: 2025-09-25. Review status: criteria provided, single submitter. Criteria: Invitae Variant Classification Sherloc (09022015). Collection method: clinical testing. Allele origin: germline.
Comment: This sequence change replaces asparagine, which is neutral and polar, with serine, which is neutral and polar, at codon 748 of the BLM protein (p.Asn748Ser). This variant is not present in population databases (gnomAD no frequency). This variant has not been reported in the literature in individuals affected with BLM-related conditions. ClinVar contains an entry for this variant (Variation ID: 2452538). Invitae Evidence Modeling of protein sequence and biophysical properties (such as structural, functional, and spatial information, amino acid conservation, physicochemical variation, residue mobility, and thermodynamic stability) indicates that this missense variant is not expected to disrupt BLM protein function with a negative predictive value of 80%. In summary, the available evidence is currently insufficient to determine the role of this variant in disease. Therefore, it has been classified as a Variant of Uncertain Significance.

Ambry Genetics
Classification: Likely benign for Hereditary cancer-predisposing syndrome. Last evaluated: 2022-11-23. Review status: criteria provided, single submitter. Criteria: Ambry Variant Classification Scheme 2023. Collection method: clinical testing. Allele origin: germline.

NM_000057.4(BLM):c.2243A>G (p.Asn748Ser)

Gene: BLM (BLM RecQ like helicase; plus strand). Cytogenetic location: 15q26.1.
Variant type: single nucleotide variant.
Coding change: c.2243A>G on transcript NM_000057.4 (MANE Select); coding-DNA position 2243, A replaced by G.
Protein change: p.Asn748Ser; replaces asparagine 748 with serine.
Molecular consequence: missense variant.
Genome position (GRCh38, 1-based): chr15:90,766,959, A>G. VCF-style: chr15-90766959-A-G. GRCh37 (hg19) VCF-style: chr15-91310189-A-G.
Other names: c.2243A>G, p.Asn748Ser (NM_001287246.2, NM_001287247.2); c.1118A>G, p.Asn373Ser (NM_001287248.2); short protein forms N748S, N373S.
Identifiers: ClinVar variation 2452538 (VCV002452538.4), dbSNP rs2505447101, ClinGen allele CA393844867.